The following is an entry in ClinVar:

ClinVar aggregate classification (germline): Uncertain significance (1 of 4 stars; one submission).

gnomAD v4.1: 1 of 1,613,394 alleles (0.000062%); highest among the groups gnomAD compares: Non-Finnish European, 0.000085%; no homozygotes.

Submission:

Labcorp Genetics (formerly Invitae), Labcorp
Classification: Uncertain significance. Last evaluated: 2024-10-13. Review status: criteria provided, single submitter. Criteria: Invitae Variant Classification Sherloc (09022015). Collection method: clinical testing. Allele origin: germline.
Comment: This sequence change falls in intron 14 of the COL2A1 gene. It does not directly change the encoded amino acid sequence of the COL2A1 protein. It affects a nucleotide within the consensus splice site. This variant is not present in population databases (gnomAD no frequency). This variant has not been reported in the literature in individuals affected with COL2A1-related conditions. Variants that disrupt the consensus splice site are a relatively common cause of aberrant splicing (PMID: 17576681, 9536098). Algorithms developed to predict the effect of sequence changes on RNA splicing suggest that this variant is not likely to affect RNA splicing. In summary, the available evidence is currently insufficient to determine the role of this variant in disease. Therefore, it has been classified as a Variant of Uncertain Significance.

Literature cited by the submitters: PubMed 17576681; PubMed 9536098.

NM_001844.5(COL2A1):c.925-3C>T

Gene: COL2A1 (collagen type II alpha 1 chain; minus strand). Cytogenetic location: 12q13.11.
Variant type: single nucleotide variant.
Coding change: c.925-3C>T on transcript NM_001844.5 (MANE Select); 3 bases into the intron before coding-DNA position 925, C replaced by T.
Molecular consequence: intron variant.
Genome position (GRCh38, 1-based): chr12:47,993,505, G>A on the plus strand (C>T on the coding strand, the complement: COL2A1 is on the minus strand). VCF-style: chr12-47993505-G-A. GRCh37 (hg19) VCF-style: chr12-48387288-G-A.
Other names: c.718-3C>T (NM_033150.3).
Identifiers: ClinVar variation 3630053 (VCV003630053.2).